The following is an entry in ClinVar:

NM_003000.3(SDHB):c.*5_*7delinsATA

Gene: SDHB (succinate dehydrogenase complex iron sulfur subunit B; minus strand). Cytogenetic location: 1p36.13.
Variant type: Indel.
Coding change: c.*5_*7delinsATA on transcript NM_003000.3 (MANE Select); 5 bases downstream of the stop codon through 7 bases downstream of the stop codon, TTC replaced by ATA.
Molecular consequence: 3 prime UTR variant.
Genome position (GRCh38, 1-based): chr1:17,018,874-17,018,876, GAA replaced by TAT on the plus strand (TTC replaced by ATA on the coding strand, the reverse complement: SDHB is on the minus strand). VCF-style: chr1-17018874-GAA-TAT. GRCh37 (hg19) VCF-style: chr1-17345369-GAA-TAT.
Other names: c.*5_*7delinsATA (NM_001407361.1).
Identifiers: ClinVar variation 3904422 (VCV003904422.1).
Genomic context (GRCh38, chr1:17,018,874, plus strand): 5'-ACTCAAATTAGATATAAATTATGTTCAGCTCTGAGCTGGTTATAAATCATGTTTAGCATG[GAA>TAT]ACAGTTAAACTGAAGCTTTCTTCTCCTTATAGGTTGCCATCATTTTCTTGATCTCTGCAA-3'

ClinVar aggregate classification (germline): Benign (1 of 4 stars; one submission).

Conditions:
Pheochromocytoma/paraganglioma syndrome 4. Also called: CAROTID BODY TUMORS AND MULTIPLE EXTRAADRENAL PHEOCHROMOCYTOMAS; PARAGANGLIOMA, FAMILIAL MALIGNANT; PARAGANGLIOMAS, HEREDITARY EXTRAADRENAL; PHEOCHROMOCYTOMA, FAMILIAL EXTRAADRENAL; Paragangliomas 4; SDHB-Related Hereditary Paraganglioma-Pheochromocytoma Syndrome (Paragangliomas 4). Identifiers: Orphanet 29072, MedGen C1861848, MONDO:0007273, OMIM 115310.

Submission:

Myriad Genetics, Inc.
Classification: Benign for Pheochromocytoma/paraganglioma syndrome 4. Last evaluated: 2025-03-13. Review status: criteria provided, single submitter. Criteria: Myriad Autosomal Dominant, Autosomal Recessive and X-Linked Classification Criteria (2023). Collection method: clinical testing. Allele origin: unknown.
Comment: This variant is considered benign. This variant occurs in the non-coding 3' untranslated region of the gene, and is not expected to impact protein function.